The following is an entry in ClinVar:

ClinVar aggregate classification (germline): Uncertain significance (1 of 4 stars; one submission).

Conditions:
TTN-related disorder. Also called: TTN-related disorders; TTN-related condition; TTN-related disease.

gnomAD v4.1: 2 of 1,579,386 alleles (0.00013%); highest among the groups gnomAD compares: Admixed American, 0.0018%; no homozygotes.

Submission:

PreventionGenetics, part of Exact Sciences
Classification: Uncertain significance for TTN-related condition. Last evaluated: 2026-04-28. Review status: criteria provided, single submitter. Criteria: ACMG Guidelines, 2015. Collection method: clinical testing. Allele origin: germline.
Comment: The TTN c.40328C>T variant is predicted to result in the amino acid substitution p.Pro13443Leu. To our knowledge, this variant has not been reported in the literature or in a large population database (gnomAD), indicating this variant is rare. At this time, the clinical significance of this variant is uncertain due to the absence of conclusive functional and genetic evidence.

NM_001267550.2(TTN):c.40328C>T (p.Pro13443Leu)

Gene: TTN (titin; minus strand). Cytogenetic location: 2q31.2.
Variant type: single nucleotide variant.
Coding change: c.40328C>T on transcript NM_001267550.2 (MANE Select); coding-DNA position 40328, C replaced by T.
Protein change: p.Pro13443Leu; replaces proline 13443 with leucine.
Molecular consequence: missense variant. On other transcripts: intron variant (3).
Genome position (GRCh38, 1-based): chr2:178,646,000, G>A on the plus strand (C>T on the coding strand, the complement: TTN is on the minus strand). VCF-style: chr2-178646000-G-A. GRCh37 (hg19) VCF-style: chr2-179510727-G-A.
Other names: c.35405C>T, p.Pro11802Leu (NM_001256850.1); c.32624C>T, p.Pro10875Leu (NM_133378.4); c.13283-3683C>T (NM_003319.4); c.13859-3683C>T (NM_133437.4); c.13658-3683C>T (NM_133432.3); short protein forms P10875L, P11802L, P13443L.
Identifiers: ClinVar variation 4984106 (VCV004984106.1).